The following is an entry in ClinVar:

NM_004994.3(MMP9):c.1720C>A (p.Arg574=)

Genes: MMP9 (matrix metallopeptidase 9; plus strand), SLC12A5-AS1 (SLC12A5 and MMP9 antisense RNA 1; minus strand). Cytogenetic location: 20q13.12.
Variant type: single nucleotide variant.
Coding change: c.1720C>A on transcript NM_004994.3 (MANE Select); coding-DNA position 1720, C replaced by A.
Protein change: p.Arg574=; no amino-acid change (arginine 574 retained).
Molecular consequence: synonymous variant. On other transcripts: non-coding transcript variant (1).
Genome position (GRCh38, 1-based): chr20:46,013,766, C>A. VCF-style: chr20-46013766-C-A. GRCh37 (hg19) VCF-style: chr20-44642405-C-A.
Identifiers: ClinVar variation 3055734 (VCV003055734.4), dbSNP rs189827770, ClinGen allele CA9886811.
Genomic context (GRCh38, chr20:46,013,766, plus strand): 5'-TTCCTTATCGCCGACAAGTGGCCCGCGCTGCCCCGCAAGCTGGACTCGGTCTTTGAGGAG[C>A]GGCTCTCCAAGAAGCTTTTCTTCTTCTCTGGTTAGTTACCTACTTTCCCTCCCCCGCCCG-3'
Protein context (NP_004985.2, residues 564-584): PRKLDSVFEE[Arg574=]LSKKLFFFSG

ClinVar aggregate classification (germline): Likely benign. Review status: criteria provided, single submitter (1 of 4 stars). 2 submissions from 2 submitters: Likely benign (1). 1 of the submissions does not count toward it. Last evaluated 2024-10-30.

Conditions:
MMP9-related disorder. Also called: MMP9-related condition.

Allele frequency attached by ClinVar (database versions not stated): gnomAD 0.00001; 1000 Genomes Project 30x 0.00016; 1000 Genomes Project 0.00020.
gnomAD v4.1: 2 of 1,613,528 alleles (0.00012%); highest among the groups gnomAD compares: East Asian, 0.0045%; no homozygotes.

Submissions (2):

Labcorp Genetics (formerly Invitae), Labcorp
Classification: Likely benign. Last evaluated: 2024-10-30. Review status: criteria provided, single submitter. Criteria: Invitae Variant Classification Sherloc (09022015). Collection method: clinical testing. Allele origin: germline.

PreventionGenetics, part of Exact Sciences
Classification: Likely benign for MMP9-related condition. Last evaluated: 2019-04-29. Review status: no assertion criteria provided. Collection method: clinical testing. Allele origin: germline. Not counted in ClinVar's aggregate classification.
Comment: This variant is classified as likely benign based on ACMG/AMP sequence variant interpretation guidelines (Richards et al. 2015 PMID: 25741868, with internal and published modifications).